The following is an entry in ClinVar:

NM_000540.3(RYR1):c.2855C>G (p.Thr952Arg)

Gene: RYR1 (ryanodine receptor 1; plus strand). Cytogenetic location: 19q13.2.
Variant type: single nucleotide variant.
Coding change: c.2855C>G on transcript NM_000540.3 (MANE Select); coding-DNA position 2855, C replaced by G.
Protein change: p.Thr952Arg; replaces threonine 952 with arginine.
Molecular consequence: missense variant.
Genome position (GRCh38, 1-based): chr19:38,464,707, C>G. VCF-style: chr19-38464707-C-G. GRCh37 (hg19) VCF-style: chr19-38955347-C-G.
Other names: c.2855C>G, p.Thr952Arg (NM_001042723.2); short protein forms T952R.
Identifiers: ClinVar variation 3074664 (VCV003074664.1), dbSNP rs1249635777, ClinGen allele CA405633775.

ClinVar aggregate classification (germline): Uncertain significance (1 of 4 stars; one submission).

Conditions:
Malignant hyperthermia, susceptibility to, 1 (MHS1). Also called: Anesthesia related hyperthermia; Malignant hyperpyrexia; Fulminating hyperpyrexia; Pharmacogenic myopathy; RYR1-Related Malignant Hyperthermia Susceptibility; Malignant hyperthermia suceptibility 1. Identifiers: Orphanet 423, MedGen C2930980, MONDO:0007783, OMIM 145600.

Submission:

All of Us Research Program, National Institutes of Health
Classification: Uncertain significance for Malignant hyperthermia, susceptibility to, 1. Last evaluated: 2023-11-20. Review status: criteria provided, single submitter. Criteria: ACMG Guidelines, 2015. Collection method: clinical testing. Allele origin: germline. Inheritance: Autosomal dominant inheritance. Observed: 1 variant allele, 1 heterozygote.
Comment: This missense variant replaces threonine with arginine at codon 952 of the RYR1 protein. Computational prediction is inconclusive regarding the impact of this variant on protein structure and function (internally defined REVEL score threshold 0.5 < inconclusive < 0.7, PMID: 27666373). To our knowledge, functional studies have not been reported for this variant. This variant has not been reported in individuals affected with RYR1-related disorders in the literature. This variant has not been identified in the general population by the Genome Aggregation Database (gnomAD). The available evidence is insufficient to determine the role of this variant in disease conclusively. Therefore, this variant is classified as a Variant of Uncertain Significance.

This study involves interpretation of variants in research participants for the purpose of population health screening. Participant phenotype was not available at the time of variant classification. Additional details can be found in publication PMID: 35346344, PMCID: PMC8962531